The following is an entry in ClinVar:

NM_022455.5(NSD1):c.6683_6684delinsCT (p.Leu2228Pro)

Gene: NSD1 (nuclear receptor binding SET domain protein 1; plus strand). Cytogenetic location: 5q35.3.
Variant type: Indel.
Coding change: c.6683_6684delinsCT on transcript NM_022455.5 (MANE Select); coding-DNA positions 6683 to 6684, TG replaced by CT.
Protein change: p.Leu2228Pro; replaces leucine 2228 with proline.
Molecular consequence: missense variant.
Genome position (GRCh38, 1-based): chr5:177,294,051-177,294,052, TG replaced by CT. VCF-style: chr5-177294051-TG-CT. GRCh37 (hg19) VCF-style: chr5-176721052-TG-CT.
Other names: c.5810_5811delTGinsCT, p.Leu1937Pro (NM_001365684.2, NM_001409308.1, NM_172349.5); c.6683_6684delTGinsCT, p.Leu2228Pro (NM_001409301.1, NM_001409302.1, NM_001409303.1 and 1 more transcripts); c.6263_6264delTGinsCT, p.Leu2088Pro (NM_001409304.1); c.5930_5931delTGinsCT, p.Leu1977Pro (NM_001409305.1); c.5921_5922delTGinsCT, p.Leu1974Pro (NM_001409306.1, NM_001409307.1); c.5561_5562delTGinsCT, p.Leu1854Pro (NM_001409309.1); short protein forms L2228P, L1959P, L1854P, L2088P, L1977P, L1937P, L1974P.
Identifiers: ClinVar variation 941828 (VCV000941828.8), dbSNP rs1760072488, ClinGen allele CA1139659264.
Genomic context (GRCh38, chr5:177,294,051, plus strand): 5'-GTGGGCCCAATCCTCTGGAACCTGGGGAGATCCGTGAGTATGTGCCTCCCCCAGTACCGC[TG>CT]CCTCCAGGGCCAAGCACTCACCTGGCAGAGCAATCAACAGGAATGGCTGCTCAGGCACCC-3'
Protein context (NP_071900.2, residues 2218-2238): IREYVPPPVP[Leu2228Pro]PPGPSTHLAE

ClinVar aggregate classification (germline): Uncertain significance (1 of 4 stars; one submission).

Submission:

Labcorp Genetics (formerly Invitae), Labcorp
Classification: Uncertain significance. Last evaluated: 2023-05-15. Review status: criteria provided, single submitter. Criteria: Invitae Variant Classification Sherloc (09022015). Collection method: clinical testing. Allele origin: germline.
Comment: ClinVar contains an entry for this variant (Variation ID: 941828). In summary, the available evidence is currently insufficient to determine the role of this variant in disease. Therefore, it has been classified as a Variant of Uncertain Significance. An algorithm developed to predict the effect of missense changes on protein structure and function (PolyPhen-2) suggests that this variant is likely to be tolerated. This variant has not been reported in the literature in individuals affected with NSD1-related conditions. Information on the frequency of this variant in the gnomAD database is not available, as this variant may be reported differently in the database. This sequence change replaces leucine, which is neutral and non-polar, with proline, which is neutral and non-polar, at codon 2228 of the NSD1 protein (p.Leu2228Pro).